The following is an entry in ClinVar:

ClinVar aggregate classification (germline): Uncertain significance (1 of 4 stars; one submission).

Conditions:
Cardiovascular phenotype. Identifiers: MedGen CN230736.

Allele frequency attached by ClinVar (database versions not stated): TOPMed below 0.00001; gnomAD 0.00001.

Submission:

Ambry Genetics
Classification: Uncertain significance for Cardiovascular phenotype. Last evaluated: 2023-06-12. Review status: criteria provided, single submitter. Criteria: Ambry Variant Classification Scheme 2023. Collection method: clinical testing. Allele origin: germline.
Comment: The p.A276V variant (also known as c.827C>T), located in coding exon 6 of the GPD1L gene, results from a C to T substitution at nucleotide position 827. The alanine at codon 276 is replaced by valine, an amino acid with similar properties. This amino acid position is conserved. In addition, the in silico prediction for this alteration is inconclusive. Since supporting evidence is limited at this time, the clinical significance of this alteration remains unclear.

NM_015141.4(GPD1L):c.827C>T (p.Ala276Val)

Gene: GPD1L (glycerol-3-phosphate dehydrogenase 1 like; plus strand). Cytogenetic location: 3p22.3.
Variant type: single nucleotide variant.
Coding change: c.827C>T on transcript NM_015141.4 (MANE Select); coding-DNA position 827, C replaced by T.
Protein change: p.Ala276Val; replaces alanine 276 with valine.
Molecular consequence: missense variant.
Genome position (GRCh38, 1-based): chr3:32,159,084, C>T. VCF-style: chr3-32159084-C-T. GRCh37 (hg19) VCF-style: chr3-32200576-C-T.
Other names: short protein forms A276V.
Identifiers: ClinVar variation 2564421 (VCV002564421.2), dbSNP rs1224957952, ClinGen allele CA351969508.